The following is an entry in ClinVar:

NM_003070.5(SMARCA2):c.4663_4672del (p.Lys1555fs)

Gene: SMARCA2 (SWI/SNF related BAF chromatin remodeling complex subunit ATPase 2; plus strand). Cytogenetic location: 9p24.3.
Variant type: Deletion.
Coding change: c.4663_4672del on transcript NM_003070.5 (MANE Select); coding-DNA positions 4663 to 4672, 10 bases deleted (AAGAAAAGGC; older notation c.4663_4672delAAGAAAAGGC).
Protein change: p.Lys1555fs; shifts the reading frame from lysine 1555.
Molecular consequence: frameshift variant.
Genome position (GRCh38, 1-based): chr9:2,191,334-2,191,343, AAGAAAAGGC deleted; deleting any 10 consecutive bases within chr9:2,191,328-2,191,343 gives the same sequence; the c. name uses the placement nearest the transcript's 3' end. VCF-style (leftmost placement, unchanged base first): chr9-2191327-GAAAGGCAAGA-G. GRCh37 (hg19) VCF-style: chr9-2191327-GAAAGGCAAGA-G.
Other names: c.727_736delAAGAAAAGGC, p.Lys243Glnfs (NM_001289400.2); c.4609_4618del, p.Lys1537fs (NM_139045.4); c.4663_4672delAAGAAAAGGC, p.Lys1555Glnfs (NM_001289396.2); c.4435_4444del, p.Lys1479fs (NM_001289397.2); c.637_646del, p.Lys213fs (NM_001289398.2); c.721_730delAAGAAAAGGC, p.Lys241Glnfs (NM_001289399.2); short protein forms K1479fs, K1537fs, K1555fs, K213fs, K241fs, K243fs.
Identifiers: ClinVar variation 2575653 (VCV002575653.1), dbSNP rs2537636235, ClinGen allele CA2580616146.

ClinVar aggregate classification (germline): Uncertain significance (1 of 4 stars; one submission).

Submission:

GeneDx
Classification: Uncertain significance. Last evaluated: 2023-02-12. Review status: criteria provided, single submitter. Criteria: GeneDx Variant Classification Process June 2021. Collection method: clinical testing. Allele origin: germline. Affected: yes.
Comment: Not observed at significant frequency in large population cohorts (gnomAD); Has not been previously published as pathogenic or benign to our knowledge; Frameshift variant predicted to result in protein truncation as the last 36 amino acid residues are replaced with 8 different amino acid residues.